The following is an entry in ClinVar:

NC_000006.11:g.(?_10819119)_(10819173_?)del

Gene: MAK (male germ cell associated kinase; minus strand). Cytogenetic location: 6p24.2.
Variant type: Deletion.
Identifiers: ClinVar variation 1073188 (VCV001073188.7).

ClinVar aggregate classification (germline): Pathogenic (1 of 4 stars; one submission).

Submission:

Labcorp Genetics (formerly Invitae), Labcorp
Classification: Pathogenic. Last evaluated: 2022-07-06. Review status: criteria provided, single submitter. Criteria: Invitae Variant Classification Sherloc (09022015). Collection method: clinical testing. Allele origin: germline.
Comment: This variant is a gross deletion of the genomic region encompassing exon(s) 2 of the MAK gene. This deletion is out-of-frame, and is expected to create a premature termination codon and result in an absent or disrupted protein product. Loss-of-function variants in MAK are known to be pathogenic (PMID: 21148103, 21825139, 24938718, 29781741). A similar copy number variant has been observed in individual(s) with inherited retinal dystrophies (PMID: 29074561). This variant is also known as c.(101+1_102‚Äì1)_(156+1_157‚Äì1)del. For these reasons, this variant has been classified as Pathogenic.

Literature cited by the submitters: PubMed 21148103; PubMed 21825139; PubMed 24938718; PubMed 29781741; PubMed 29074561.